The following is an entry in ClinVar:

NM_005505.5(SCARB1):c.520C>T (p.Arg174Cys)

Gene: SCARB1 (scavenger receptor class B member 1; minus strand). Cytogenetic location: 12q24.31.
Variant type: single nucleotide variant.
Coding change: c.520C>T on transcript NM_005505.5 (MANE Select); coding-DNA position 520, C replaced by T.
Protein change: p.Arg174Cys; replaces arginine 174 with cysteine.
Molecular consequence: missense variant. On other transcripts: non-coding transcript variant (9).
Genome position (GRCh38, 1-based): chr12:124,814,312, G>A on the plus strand (C>T on the coding strand, the complement: SCARB1 is on the minus strand). VCF-style: chr12-124814312-G-A. GRCh37 (hg19) VCF-style: chr12-125298858-G-A.
Other names: c.520C>T, p.Arg174Cys (NM_001082959.2, NM_001367981.1, NM_001367983.1 and 6 more transcripts); c.397C>T, p.Arg133Cys (NM_001367982.1); short protein forms R133C, R174C.
Identifiers: ClinVar variation 2735990 (VCV002735990.3), dbSNP rs367669186, ClinGen allele CA6870518.

ClinVar aggregate classification (germline): Uncertain significance (1 of 4 stars; one submission).

gnomAD v4.1: 190 of 1,614,026 alleles (0.012%); highest among the groups gnomAD compares: Middle Eastern, 0.016%; no homozygotes.

Submission:

Labcorp Genetics (formerly Invitae), Labcorp
Classification: Uncertain significance. Last evaluated: 2024-03-26. Review status: criteria provided, single submitter. Criteria: Invitae Variant Classification Sherloc (09022015). Collection method: clinical testing. Allele origin: germline.
Comment: This sequence change replaces arginine, which is basic and polar, with cysteine, which is neutral and slightly polar, at codon 174 of the SCARB1 protein (p.Arg174Cys). This variant is present in population databases (rs367669186, gnomAD 0.008%). This missense change has been observed in individual(s) with elevated HDL cholesterol (PMID: 28870971, 33577783). Advanced modeling of protein sequence and biophysical properties (such as structural, functional, and spatial information, amino acid conservation, physicochemical variation, residue mobility, and thermodynamic stability) performed at Invitae indicates that this missense variant is expected to disrupt SCARB1 protein function with a positive predictive value of 80%. In summary, the available evidence is currently insufficient to determine the role of this variant in disease. Therefore, it has been classified as a Variant of Uncertain Significance.

Literature cited by the submitters: PubMed 28870971; PubMed 33577783.